The following is an entry in ClinVar:

ClinVar aggregate classification (germline): Benign. Review status: criteria provided, multiple submitters, no conflicts (2 of 4 stars). 3 submissions from 3 submitters: Benign (2). 1 of the submissions does not count toward it. Last evaluated 2026-01-13.

Conditions:
PRDM8-related disorder. Also called: PRDM8-related condition.
Early-onset Lafora body disease. Also called: Epilepsy, progressive myoclonic, 10. Identifiers: Orphanet 324290, MedGen C4225258, MONDO:0014717, OMIM 616640.

Allele frequency attached by ClinVar (database versions not stated): gnomAD exomes 0.00030 and 0.00059; ExAC 0.00078; ESP Exome Variant Server 0.00287; 1000 Genomes Project 30x 0.00359; 1000 Genomes Project 0.00379; gnomAD 0.00392 and 0.00420; TOPMed 0.00398.
gnomAD v4.1: 1,004 of 1,506,912 alleles (0.067%); highest among the groups gnomAD compares: African/African-American, 1.3%; 4 homozygotes.

Submissions (3):

Labcorp Genetics (formerly Invitae), Labcorp
Classification: Benign for Early-onset Lafora body disease. Last evaluated: 2026-01-13. Review status: criteria provided, single submitter. Criteria: Invitae Variant Classification Sherloc (09022015). Collection method: clinical testing. Allele origin: germline.

Breakthrough Genomics
Classification: Benign. Review status: criteria provided, single submitter. Criteria: ACMG Guidelines, 2015. Collection method: not provided. Allele origin: germline. Inheritance: Autosomal recessive inheritance. Affected: yes.

PreventionGenetics, part of Exact Sciences
Classification: Benign for PRDM8-related condition. Last evaluated: 2019-07-11. Review status: no assertion criteria provided. Collection method: clinical testing. Allele origin: germline. Not counted in ClinVar's aggregate classification.
Comment: This variant is classified as benign based on ACMG/AMP sequence variant interpretation guidelines (Richards et al. 2015 PMID: 25741868, with internal and published modifications).

NM_001099403.2(PRDM8):c.1050C>T (p.Cys350=)

Gene: PRDM8 (PR/SET domain 8; plus strand). Cytogenetic location: 4q21.21.
Variant type: single nucleotide variant.
Coding change: c.1050C>T on transcript NM_001099403.2 (MANE Select); coding-DNA position 1050, C replaced by T.
Protein change: p.Cys350=; no amino-acid change (cysteine 350 retained).
Molecular consequence: synonymous variant.
Genome position (GRCh38, 1-based): chr4:80,202,512, C>T. VCF-style: chr4-80202512-C-T. GRCh37 (hg19) VCF-style: chr4-81123666-C-T.
Other names: c.1050C>T, p.Cys350= (NM_020226.4).
Identifiers: ClinVar variation 475663 (VCV000475663.15), dbSNP rs374280707, ClinGen allele CA2982372.